The following continues an entry in ClinVar:

NM_006005.3(WFS1):c.1672C>T (p.Arg558Cys)

Gene: WFS1. ClinVar aggregate classification (germline): Pathogenic/Likely pathogenic. Pathogenic (8); Likely pathogenic (11).

Submissions 20 to 23 of 23:

Undiagnosed Diseases Network, NIH
Classification: Pathogenic for Wolfram syndrome 1. Last evaluated: 2023-12-19. Review status: no assertion criteria provided. Collection method: clinical testing. Allele origin: unknown. Inheritance: Autosomal recessive inheritance. Affected: yes. Observed: 1 variant allele, 1 heterozygote. Study: Undiagnosed Diseases Network (NIH), UDN. Not counted in ClinVar's aggregate classification.

Constantin Polychronakos Laboratory, The Research Institute of the McGill University Health Centre
Classification: Pathogenic for Diabetes mellitus. Review status: no assertion criteria provided. Collection method: research. Allele origin: unknown. Inheritance: Autosomal recessive inheritance. Affected: yes. Study: T1DGC. Not counted in ClinVar's aggregate classification.
Comment: PS1 PM2 PP3 PP4

New York Genome Center
Classification: Uncertain significance for Type 2 diabetes mellitus. Last evaluated: 2022-06-10. Review status: flagged submission. Criteria: NYGC Assertion Criteria 2020. Collection method: clinical testing. Allele origin: germline. Observed: 3 heterozygotes. Clinical features observed: Hyperlipidemia (HP:0003077), Type 2 diabetes mellitus (HP:0005978), Diabetes mellitus (HP:0000819). Not counted in ClinVar's aggregate classification.
Comment: The c.1672C>T (p.Arg558Cys) missense variant identified in WFS1 has been reported in homozygous as well as in compound heterozygous states in individuals affected with autosomal recessive Wolfram syndrome [PMID: 30957632, 17568405, 21446023], reported as heterozygous in individuals affected with autosomal dominant Wolfram-like syndrome [PMID: 27395765], in three individuals in a cohort of 1019 patients with type 1 diabetes [PMID:31264968] and in a single patient in a large cohort of type 2 diabetes patients [PMID:33046911]. It was also reported as a variant of uncertain significance in an individual affected with ataxia and polyneuropathy and in an individual affected with familial schizophrenia [PMID: 25133958, 11244483]. The variant has 0.0003284 allele frequency in the gnomAD(v3) database (50 out of 152262 heterozygous alleles, no homozygotes), 0.0006277 allele frequency in the gnomAD(v2) database (177 out of 281960 heterozygous alleles,1 homozygote) and 0.01341 allele frequency in the Ashkenazi Jewish subpopulation represented in gnomAD(v2) database (139 out of 10366 heterozygous alleles, 1 homozygous allele). Multiple independent laboratories have reported this variant in the ClinVar database with conflicting interpretations of pathogenicity for WFS1-related disorders [Variation ID: 198835; Pathogenic = 2, Likely pathogenic = 2, and Uncertain significance = 3]. This variant replaces highly conserved arginine residue [Arg558] and is predicted deleterious by multiple in silico tools (CADD score = 32, REVEL score = 0.816). Based on the available evidence,the heterozygous c.1672C>T (p.Arg558Cys) missense variant identified in the WFS1 gene is reported as a Variant of Uncertain Significance
ClinVar note: Reason: Outlier claim with insufficient supporting evidence

Laboratory for Molecular Medicine, Mass General Brigham Personalized Medicine
Classification: Uncertain significance. Last evaluated: 2017-09-05. Review status: flagged submission. Criteria: LMM Criteria. Collection method: clinical testing. Allele origin: germline. Observed: 5 variant alleles. Not counted in ClinVar's aggregate classification.
Comment: Variant classified as Uncertain Significance - Favor Pathogenic. The p.Arg558Cys variant in WFS1 has been previously reported in the homozygous or compound hete rozygous state in 5 individuals with Wolfram syndrome, at least 3 of whom were r eported to have late onset disease (Cano 2007, Chaussenot 2011, Lieber 2012, Cha ussenot 2015, Astuti 2017, Oakley 2017). It has also been identified in at least 2 individuals with nonsyndromic optic atrophy and 1 individual with progressive cerebellar ataxia (Fogel 2014, Grenier 2016, Sharma 2017). Additionally, our la boratory has identified the p.Arg558Cys variant in the heterozygous state in 2 i ndividuals with apparently nonsyndromic hearing loss, 1 of whom had an alternate explanation for their hearing loss. In vitro functional studies and in silico p rediction tools provide some evidence that the variant may impact protein functi on (Qian 2015, Sharma 2017); however, these types of assays may not accurately r epresent biological function. This variant has been identified in 1.4% (140/1015 0) of Ashkenazi Jewish chromosomes by the Genome Aggregation Database, including 1 homozygous individual (gnomAD; dbSNP rs1999 46797). It should be noted that the gnomAD database may include individuals with late onset or adult disease such as diabetes mellitus and psychiatric disorders. In summary, while there is some suspi cion for a pathogenic role, because of its high frequency in the Ashkenazi Jewis h population and limited functional data, the clinical significance of this vari ant is uncertain.
ClinVar note: Reason: Outlier claim with insufficient supporting evidence

Literature cited by the submitters: PubMed 17568405 (cited by 5 submitters); PubMed 21446023 (cited by 4 submitters); PubMed 23596069 (cited by Labcorp Genetics (formerly Invitae), Labcorp); PubMed 27395765 (cited by 3 submitters); PubMed 28432734 (cited by Labcorp Genetics (formerly Invitae), Labcorp and Laboratory for Molecular Medicine, Mass General Brigham Personalized Medicine); PubMed 29207974 (cited by Labcorp Genetics (formerly Invitae), Labcorp); PubMed 30014265 (cited by 4 submitters); PubMed 30957632 (cited by Labcorp Genetics (formerly Invitae), Labcorp and Institute of Human Genetics, Univ. Regensburg, Univ. Regensburg); PubMed 33763535 (cited by Labcorp Genetics (formerly Invitae), Labcorp and Institute of Human Genetics, Univ. Regensburg, Univ. Regensburg); PubMed 34404380 (cited by Labcorp Genetics (formerly Invitae), Labcorp); PubMed 15277431 (cited by Labcorp Genetics (formerly Invitae), Labcorp and Eurofins Ntd Llc (ga)); PubMed 31567480 (cited by Labcorp Genetics (formerly Invitae), Labcorp); PubMed 35018440 (cited by Victorian Clinical Genetics Services, Murdoch Childrens Research Institute and Institute of Human Genetics, Univ. Regensburg, Univ. Regensburg); PubMed 32219690 (cited by Victorian Clinical Genetics Services, Murdoch Childrens Research Institute); PubMed 36098976 (cited by Victorian Clinical Genetics Services, Murdoch Childrens Research Institute and Institute of Human Genetics, Univ. Regensburg, Univ. Regensburg); PubMed 11244483 (cited by 3 submitters); PubMed 22226368 (cited by 4 submitters); PubMed 25133958 (cited by 4 submitters); PubMed 30245029 (cited by Institute of Human Genetics, Univ. Regensburg, Univ. Regensburg); PubMed 31264968 (cited by Institute of Human Genetics, Univ. Regensburg, Univ. Regensburg); PubMed 33046911 (cited by Institute of Human Genetics, Univ. Regensburg, Univ. Regensburg); PubMed 31980526 (cited by Institute of Human Genetics, Univ. Regensburg, Univ. Regensburg); PubMed 36208030 (cited by Institute of Human Genetics, Univ. Regensburg, Univ. Regensburg); PubMed 24890733 (cited by Illumina Laboratory Services, Illumina and Laboratory for Molecular Medicine, Mass General Brigham Personalized Medicine); PubMed 19344068 (cited by Illumina Laboratory Services, Illumina); PubMed 12754709 (cited by Eurofins Ntd Llc (ga)); PubMed 26435059 (cited by Laboratory for Molecular Medicine, Mass General Brigham Personalized Medicine).